The following is an entry in ClinVar:

NM_006946.4(SPTBN2):c.6160C>T (p.Arg2054Trp)

Gene: SPTBN2 (spectrin beta, non-erythrocytic 2; minus strand). Cytogenetic location: 11q13.2.
Variant type: single nucleotide variant.
Coding change: c.6160C>T on transcript NM_006946.4 (MANE Select); coding-DNA position 6160, C replaced by T.
Protein change: p.Arg2054Trp; replaces arginine 2054 with tryptophan.
Molecular consequence: missense variant.
Genome position (GRCh38, 1-based): chr11:66,688,724, G>A on the plus strand (C>T on the coding strand, the complement: SPTBN2 is on the minus strand). VCF-style: chr11-66688724-G-A. GRCh37 (hg19) VCF-style: chr11-66456195-G-A.
Other names: c.6181C>T, p.Arg2061Trp (NM_001411025.1); short protein forms R2054W, R2061W.
Identifiers: ClinVar variation 3602952 (VCV003602952.1).
Genomic context (GRCh38, chr11:66,688,724, plus strand): 5'-TCTCCAGCGCACAGAATCGCTCCTCCCAGGCCACTGCTGACTTCTGGAAGGCCTCGTGCC[G>A]CTTGATGAGGCTCTCAACTTCGTCGACCGTGCAACCCAGCTCAGCGCTGCGCACCAGTGG-3'
Protein context (NP_008877.2, residues 2044-2064): TVDEVESLIK[Arg2054Trp]HEAFQKSAVA

ClinVar aggregate classification (germline): Likely pathogenic (1 of 4 stars; one submission).

gnomAD v4.1: 7 of 1,613,754 alleles (0.00043%); highest among the groups gnomAD compares: Admixed American, 0.0067%; no homozygotes.

Submission:

GeneDx
Classification: Likely pathogenic. Last evaluated: 2024-08-04. Review status: criteria provided, single submitter. Criteria: GeneDx Variant Classification Process June 2021. Collection method: clinical testing. Allele origin: germline. Affected: yes.
Comment: Not observed at significant frequency in large population cohorts (gnomAD); In silico analysis supports that this missense variant has a deleterious effect on protein structure/function; Has not been previously published as pathogenic or benign to our knowledge